The following is an entry in ClinVar:

ClinVar aggregate classification (germline): Pathogenic/Likely pathogenic. Review status: criteria provided, multiple submitters, no conflicts (2 of 4 stars). 3 submissions from 3 submitters: Pathogenic (2); Likely pathogenic (1). Last evaluated 2023-01-26.

Conditions:
Fanconi anemia (FA). Also called: Fanconi's anemia. Identifiers: Orphanet 84, MedGen C0015625, MeSH D005199, MONDO:0019391.
Fanconi anemia complementation group A (FANCA). Also called: FANCA-Related Fanconi Anemia; Fanconi anemia, group A. Identifiers: Orphanet 84, MedGen C3469521, MONDO:0009215, OMIM 227650.

Submissions (3):

Women's Health and Genetics/Laboratory Corporation of America, LabCorp
Classification: Likely pathogenic for Fanconi anemia. Last evaluated: 2023-01-26. Review status: criteria provided, single submitter. Criteria: LabCorp Variant Classification Summary - May 2015. Collection method: clinical testing. Allele origin: germline.
Comment: Variant summary: FANCA c.3973delG (p.Asp1325IlefsX38) results in a premature termination codon, predicted to cause a truncation of the encoded protein or absence of the protein due to nonsense mediated decay, which are commonly known mechanisms for disease. Truncations downstream of this position have been classified as pathogenic by our laboratory. The variant was absent in 155570 control chromosomes (gnomAD). c.3973delG has been reported in the literature in at least one homozygous individual affected with Fanconi Anemia (Li_2018). These data indicate that the variant may be associated with disease. To our knowledge, no experimental evidence demonstrating an impact on protein function has been reported. One ClinVar submitter has assessed the variant since 2014: the variant was classified as pathogenic. Based on the evidence outlined above, the variant was classified as likely pathogenic.

Labcorp Genetics (formerly Invitae), Labcorp
Classification: Pathogenic for Fanconi anemia. Last evaluated: 2022-10-30. Review status: criteria provided, single submitter. Criteria: Invitae Variant Classification Sherloc (09022015). Collection method: clinical testing. Allele origin: germline.
Comment: For these reasons, this variant has been classified as Pathogenic. ClinVar contains an entry for this variant (Variation ID: 1419699). This premature translational stop signal has been observed in individual(s) with Fanconi anemia (PMID: 28623394, 30031030). This variant is not present in population databases (gnomAD no frequency). This sequence change creates a premature translational stop signal (p.Asp1325Ilefs*38) in the FANCA gene. It is expected to result in an absent or disrupted protein product. Loss-of-function variants in FANCA are known to be pathogenic (PMID: 19367192).

Baylor Genetics
Classification: Pathogenic for Fanconi anemia complementation group A. Last evaluated: 2022-07-17. Review status: criteria provided, single submitter. Criteria: ACMG Guidelines, 2015. Collection method: clinical testing. Allele origin: unknown.

Literature cited by the submitters: PubMed 30031030 (cited by Women's Health and Genetics/Laboratory Corporation of America, LabCorp and Labcorp Genetics (formerly Invitae), Labcorp); PubMed 28623394 (cited by Labcorp Genetics (formerly Invitae), Labcorp); PubMed 19367192 (cited by Labcorp Genetics (formerly Invitae), Labcorp).

NM_000135.4(FANCA):c.3973del (p.Asp1325fs)

Genes: FANCA (FA complementation group A; minus strand), ZNF276 (zinc finger protein 276; plus strand). Cytogenetic location: 16q24.3.
Variant type: Deletion.
Coding change: c.3973del on transcript NM_000135.4 (MANE Select); coding-DNA position 3973, one base deleted (G; older notation c.3973delG).
Protein change: p.Asp1325fs; shifts the reading frame from aspartic acid 1325.
Molecular consequence: frameshift variant. On other transcripts: 3 prime UTR variant (2), non-coding transcript variant (4).
Genome position (GRCh38, 1-based): chr16:89,739,515, C deleted on the plus strand (G on the coding strand, the reverse complement: FANCA is on the minus strand); the first of 2 consecutive C bases (chr16:89,739,515-89,739,516); deleting either gives the same sequence. VCF-style (leftmost placement, unchanged base first): chr16-89739514-TC-T. GRCh37 (hg19) VCF-style: chr16-89805922-TC-T.
Other names: c.3973delG (NM_000135.2); c.3973del, p.Asp1325fs (NM_001286167.3); c.*1270del (NM_001113525.2, NM_152287.4); short protein forms D1325fs.
Identifiers: ClinVar variation 1419699 (VCV001419699.9), dbSNP rs2151712879, ClinGen allele CA2573152908.